The following is an entry in ClinVar:

NM_001130009.3(GEN1):c.1072-7_1072-2del

Gene: GEN1 (GEN1 structure-specific endonuclease; plus strand). Cytogenetic location: 2p24.2.
Variant type: Deletion.
Coding change: c.1072-7_1072-2del on transcript NM_001130009.3 (MANE Select); 7 bases into the intron before coding-DNA position 1072 through the canonical splice acceptor site of the intron before coding-DNA position 1072, 6 bases deleted (TTTATA; older notation c.1072-7_1072-2delTTTATA).
Molecular consequence: splice acceptor variant.
Genome position (GRCh38, 1-based): chr2:17,774,264-17,774,269, TTTATA deleted; deleting any 6 consecutive bases within chr2:17,774,259-17,774,269 gives the same sequence; the c. name uses the placement nearest the transcript's 3' end. VCF-style (leftmost placement, unchanged base first): chr2-17774258-ATTATAT-A. GRCh37 (hg19) VCF-style: chr2-17955525-ATTATAT-A.
Other names: c.1072-7_1072-2del (NM_182625.5).
Identifiers: ClinVar variation 2911168 (VCV002911168.3), dbSNP rs767244405, ClinGen allele CA1540663.

ClinVar aggregate classification (germline): Uncertain significance (1 of 4 stars; one submission).

Submission:

Labcorp Genetics (formerly Invitae), Labcorp
Classification: Uncertain significance. Last evaluated: 2023-12-12. Review status: criteria provided, single submitter. Criteria: Invitae Variant Classification Sherloc (09022015). Collection method: clinical testing. Allele origin: germline.
Comment: This sequence change falls in intron 10 of the GEN1 gene. It does not directly change the encoded amino acid sequence of the GEN1 protein. This variant is present in population databases (rs767244405, gnomAD 0.002%). This variant has not been reported in the literature in individuals affected with GEN1-related conditions. Experimental studies and prediction algorithms are not available or were not evaluated, and the effect of this variant on mRNA splicing is currently unknown. In summary, the available evidence is currently insufficient to determine the role of this variant in disease. Therefore, it has been classified as a Variant of Uncertain Significance.